The following is an entry in ClinVar:

NM_000138.5(FBN1):c.4309C>G (p.Pro1437Ala)

Genes: FBN1 (fibrillin 1; minus strand), LOC126862124 (CDK7 strongly-dependent group 2 enhancer GRCh37_chr15:48764566-48765765; plus strand). Cytogenetic location: 15q21.1.
Variant type: single nucleotide variant.
Coding change: c.4309C>G on transcript NM_000138.5 (MANE Select); coding-DNA position 4309, C replaced by G.
Protein change: p.Pro1437Ala; replaces proline 1437 with alanine.
Molecular consequence: missense variant.
Genome position (GRCh38, 1-based): chr15:48,472,578, G>C on the plus strand (C>G on the coding strand, the complement: FBN1 is on the minus strand). VCF-style: chr15-48472578-G-C. GRCh37 (hg19) VCF-style: chr15-48764775-G-C.
Other names: short protein forms P1437A.
Identifiers: ClinVar variation 923131 (VCV000923131.5), dbSNP rs1408492045, ClinGen allele CA392317594.
Genomic context (GRCh38, chr15:48,472,578, plus strand): 5'-AGCAAGGCTCCCAGTGGCTTCCCCATCAGTTACCTTCACAGGCTTTCCCGTCAGCACTGG[G>C]CACGAAGCCCATGTCGCATTCACAGCGGTATCCTCCTGGTGCATTGAGGCACTGGCCATT-3'
Protein context (NP_000129.3, residues 1427-1447): YRCECDMGFV[Pro1437Ala]SADGKACEDI

ClinVar aggregate classification (germline): Uncertain significance (1 of 4 stars; one submission).

Conditions:
Familial thoracic aortic aneurysm and aortic dissection (TAAD). Also called: Thoracic aortic aneurysms and dissections. Identifiers: Orphanet 91387, MedGen C4707243, MONDO:0019625.

Allele frequency attached by ClinVar (database versions not stated): gnomAD exomes below 0.00001.
gnomAD v4.1: 1 of 1,614,106 alleles (0.000062%); highest among the groups gnomAD compares: Non-Finnish European, 0.000085%; no homozygotes.

Submission:

Color Diagnostics, LLC DBA Color Health
Classification: Uncertain significance for Familial thoracic aortic aneurysm and aortic dissection. Last evaluated: 2023-12-05. Review status: criteria provided, single submitter. Criteria: ACMG Guidelines, 2015. Collection method: clinical testing. Allele origin: germline.
Comment: Variant of Uncertain Significance due to insufficient evidence: This missense variant replaces proline with alanine at codon 1437 of the FBN1 protein. Computational prediction tools and conservation analyses suggest that this variant may have deleterious impact on the protein function. Computational splicing tools suggest that this variant may not impact RNA splicing. To our knowledge, functional assays have not been performed for this variant nor has this variant been reported in individuals affected with cardiovascular disorders in the literature. This variant has been identified in 1/251354 chromosomes in the general population by the Genome Aggregation Database (gnomAD). Available evidence is insufficient to determine the role of this variant in disease conclusively.